The following is an entry in ClinVar:

ClinVar aggregate classification (germline): Uncertain significance (1 of 4 stars; one submission).

Submission:

Labcorp Genetics (formerly Invitae), Labcorp
Classification: Uncertain significance. Last evaluated: 2022-03-29. Review status: criteria provided, single submitter. Criteria: Invitae Variant Classification Sherloc (09022015). Collection method: clinical testing. Allele origin: germline.
Comment: In summary, the available evidence is currently insufficient to determine the role of this variant in disease. Therefore, it has been classified as a Variant of Uncertain Significance. Algorithms developed to predict the effect of sequence changes on RNA splicing suggest that this variant may disrupt the consensus splice site. This variant has not been reported in the literature in individuals affected with UNC45A-related conditions. This variant is not present in population databases (gnomAD no frequency). This sequence change affects a splice site in intron 17 of the UNC45A gene. It is expected to disrupt RNA splicing. Variants that disrupt the donor or acceptor splice site typically lead to a loss of protein function (PMID: 16199547), however the current clinical and genetic evidence is not sufficient to establish whether loss-of-function variants in UNC45A cause disease.

Literature cited by the submitters: PubMed 16199547.

NM_018671.5(UNC45A):c.2303+2_2303+5del

Gene: UNC45A (unc-45 myosin chaperone A; plus strand). Cytogenetic location: 15q26.1.
Variant type: Deletion.
Coding change: c.2303+2_2303+5del on transcript NM_018671.5 (MANE Select); the canonical splice donor site of the intron after coding-DNA position 2303 through 5 bases into the intron after coding-DNA position 2303, 4 bases deleted (TAAG; older notation c.2303+2_2303+5delTAAG).
Molecular consequence: splice donor variant.
Genome position (GRCh38, 1-based): chr15:90,950,617-90,950,620, TAAG deleted; deleting any 4 consecutive bases within chr15:90,950,616-90,950,620 gives the same sequence; the c. name uses the placement nearest the transcript's 3' end. VCF-style (leftmost placement, unchanged base first): chr15-90950615-GGTAA-G. GRCh37 (hg19) VCF-style: chr15-91493845-GGTAA-G.
Other names: c.2258+2_2258+5del (NM_001039675.2, NM_001323621.2); c.2303+2_2303+5del (NM_001323619.1); c.1868+2_1868+5del (NM_001323620.2).
Identifiers: ClinVar variation 1928298 (VCV001928298.5), dbSNP rs2543175068, ClinGen allele CA2580090267.